The following is an entry in ClinVar:

NM_004655.4(AXIN2):c.1771G>A (p.Ala591Thr)

Gene: AXIN2 (axin 2; minus strand). Cytogenetic location: 17q24.1.
Variant type: single nucleotide variant.
Coding change: c.1771G>A on transcript NM_004655.4 (MANE Select); coding-DNA position 1771, G replaced by A.
Protein change: p.Ala591Thr; replaces alanine 591 with threonine.
Molecular consequence: missense variant. On other transcripts: intron variant (1).
Genome position (GRCh38, 1-based): chr17:65,537,005, C>T on the plus strand (G>A on the coding strand, the complement: AXIN2 is on the minus strand). VCF-style: chr17-65537005-C-T. GRCh37 (hg19) VCF-style: chr17-63533123-C-T.
Other names: c.1712+319G>A (NM_001363813.1); short protein forms A591T.
Identifiers: ClinVar variation 1779808 (VCV001779808.7), dbSNP rs754833574, ClinGen allele CA8718532.
Genomic context (GRCh38, chr17:65,537,005, plus strand): 5'-CCCGGGGAAGCTGCAGGGCCCCAGCTCCGCCGGGGGCCCCTCCTTCCCTGGCGGGCAGGG[C>T]CAGGCCCGGCTCCGTGCCTTTCCCATTGCGTTTGGGCAAGGTACTGCCTCTGCTGCCGCT-3'
Protein context (NP_004646.3, residues 581-601): RNGKGTEPGL[Ala591Thr]LPAREGGAPG

ClinVar aggregate classification (germline): Uncertain significance. Review status: criteria provided, multiple submitters, no conflicts (2 of 4 stars). 3 submissions from 3 submitters: Uncertain significance (3). Last evaluated 2025-09-13.

Conditions:
Hereditary cancer-predisposing syndrome. Also called: Neoplastic Syndromes, Hereditary; Tumor predisposition; Hereditary Cancer Syndrome; Hereditary neoplastic syndrome. Identifiers: Orphanet 140162, MedGen C0027672, MeSH D009386, MONDO:0015356.
Colorectal cancer. Also called: Colorectal cancer, somatic; Malignant Colorectal Neoplasm. Identifiers: MedGen C0346629, MONDO:0005575, OMIM 114500.
Oligodontia-cancer predisposition syndrome. Also called: TOOTH AGENESIS-COLORECTAL CANCER SYNDROME. Identifiers: Orphanet 300576, MedGen C1837750, MONDO:0012075, OMIM 608615. Disease mechanism: loss of function.

Allele frequency attached by ClinVar (database versions not stated): TOPMed below 0.00001; ExAC 0.00001.
gnomAD v4.1: 2 of 1,611,826 alleles (0.00012%); highest among the groups gnomAD compares: Non-Finnish European, 0.00017%; no homozygotes.

Submissions (3):

Labcorp Genetics (formerly Invitae), Labcorp
Classification: Uncertain significance for Oligodontia-cancer predisposition syndrome. Last evaluated: 2025-09-13. Review status: criteria provided, single submitter. Criteria: Invitae Variant Classification Sherloc (09022015). Collection method: clinical testing. Allele origin: germline.
Comment: This sequence change replaces alanine, which is neutral and non-polar, with threonine, which is neutral and polar, at codon 591 of the AXIN2 protein (p.Ala591Thr). The frequency data for this variant in the population databases is considered unreliable, as metrics indicate poor data quality at this position in the gnomAD database. This variant has not been reported in the literature in individuals affected with AXIN2-related conditions. ClinVar contains an entry for this variant (Variation ID: 1779808). Invitae Evidence Modeling of protein sequence and biophysical properties (such as structural, functional, and spatial information, amino acid conservation, physicochemical variation, residue mobility, and thermodynamic stability) indicates that this missense variant is not expected to disrupt AXIN2 protein function with a negative predictive value of 80%. In summary, the available evidence is currently insufficient to determine the role of this variant in disease. Therefore, it has been classified as a Variant of Uncertain Significance.

Baylor Genetics
Classification: Uncertain significance for Colorectal cancer. Last evaluated: 2024-03-27. Review status: criteria provided, single submitter. Criteria: ACMG Guidelines, 2015. Collection method: clinical testing. Allele origin: unknown.

Ambry Genetics
Classification: Uncertain significance for Hereditary cancer-predisposing syndrome. Last evaluated: 2023-03-22. Review status: criteria provided, single submitter. Criteria: Ambry Variant Classification Scheme 2023. Collection method: clinical testing. Allele origin: germline.
Comment: The p.A591T variant (also known as c.1771G>A), located in coding exon 6 of the AXIN2 gene, results from a G to A substitution at nucleotide position 1771. The alanine at codon 591 is replaced by threonine, an amino acid with similar properties. This amino acid position is highly conserved in available vertebrate species. In addition, this alteration is predicted to be tolerated by in silico analysis. Since supporting evidence is limited at this time, the clinical significance of this alteration remains unclear.